The following is an entry in ClinVar:

ClinVar aggregate classification (germline): Likely pathogenic (1 of 4 stars; one submission).

Conditions:
Retinitis pigmentosa 80 (RP80). Identifiers: MedGen C4540439, MONDO:0054708, OMIM 617781.

Submission:

MVZ Medizinische Genetik Mainz
Classification: Likely pathogenic for Retinitis pigmentosa 80. Last evaluated: 2022-09-07. Review status: criteria provided, single submitter. Criteria: UK Practice Guidelines For Variant Classification V4 01 2020. Collection method: clinical testing. Allele origin: germline. Inheritance: Autosomal dominant inheritance. Affected: yes. Observed: 1 variant allele.
Comment: ACMG Criteria: PVS1, PM2_SUP

NM_014714.4(IFT140):c.1496_1505del (p.Ser499fs)

Genes: IFT140 (intraflagellar transport 140; minus strand), LOC105371046 (uncharacterized LOC105371046; plus strand). Cytogenetic location: 16p13.3.
Variant type: Deletion.
Coding change: c.1496_1505del on transcript NM_014714.4 (MANE Select); coding-DNA positions 1496 to 1505, 10 bases deleted (CAAACCGAGT; older notation c.1496_1505delCAAACCGAGT).
Protein change: p.Ser499fs; shifts the reading frame from serine 499.
Molecular consequence: frameshift variant.
Genome position (GRCh38, 1-based): chr16:1,580,778-1,580,787, ACTCGGTTTG deleted on the plus strand (CAAACCGAGT on the coding strand, the reverse complement: IFT140 is on the minus strand); deleting any 10 consecutive bases within chr16:1,580,778-1,580,791 gives the same sequence; the c. name uses the placement nearest the transcript's 3' end. VCF-style (leftmost placement, unchanged base first): chr16-1580777-AACTCGGTTTG-A. GRCh37 (hg19) VCF-style: chr16-1630778-AACTCGGTTTG-A.
Other names: short protein forms S499fs.
Identifiers: ClinVar variation 3066359 (VCV003066359.1), dbSNP rs2507641936, ClinGen allele CA2740098063.